The following is an entry in ClinVar:

NM_001009944.3(PKD1):c.8549C>T (p.Ser2850Leu)

Gene: PKD1 (polycystin 1, transient receptor potential channel interacting; minus strand). Cytogenetic location: 16p13.3.
Variant type: single nucleotide variant.
Coding change: c.8549C>T on transcript NM_001009944.3 (MANE Select); coding-DNA position 8549, C replaced by T.
Protein change: p.Ser2850Leu; replaces serine 2850 with leucine.
Molecular consequence: missense variant.
Genome position (GRCh38, 1-based): chr16:2,103,508, G>A on the plus strand (C>T on the coding strand, the complement: PKD1 is on the minus strand). VCF-style: chr16-2103508-G-A. GRCh37 (hg19) VCF-style: chr16-2153509-G-A.
Other names: c.8549C>T, p.Ser2850Leu (NM_000296.4); short protein forms S2850L.
Identifiers: ClinVar variation 3579168 (VCV003579168.5).

ClinVar aggregate classification (germline): Uncertain significance. Review status: criteria provided, multiple submitters, no conflicts (2 of 4 stars). 4 submissions from 4 submitters: Uncertain significance (4). Last evaluated 2026-06-08.

Conditions:
Polycystic kidney disease, adult type (PKD1). Also called: Polycystic Kidney Disease 1, Autosomal Dominant; Polycystic kidney disease 1; Polycystic kidney disease 1, severe; Polycystic Kidney, Autosomal Dominant; POLYCYSTIC KIDNEY DISEASE, ADULT, TYPE I; POLYCYSTIC KIDNEY DISEASE 1 WITH OR WITHOUT POLYCYSTIC LIVER DISEASE. Identifiers: MedGen C3149841, MONDO:0008263, OMIM 173900.

gnomAD v4.1: 26 of 1,605,214 alleles (0.0016%); highest among the groups gnomAD compares: South Asian, 0.022%; no homozygotes.

Submissions (4):

Women's Health and Genetics/Laboratory Corporation of America, LabCorp
Classification: Uncertain significance. Last evaluated: 2026-06-08. Review status: criteria provided, single submitter. Criteria: LabCorp Variant Classification Summary - May 2015. Collection method: clinical testing. Allele origin: germline.
Comment: Variant summary: PKD1 c.8549C>T (p.Ser2850Leu) results in a non-conservative amino acid change in the encoded protein sequence. Algorithms developed to predict the effect of missense changes on protein structure and function are either unavailable or do not agree on the potential impact of this missense change. The variant allele was found at a frequency of 3.3e-05 in 240160 control chromosomes. The available data on variant occurrences in the general population are insufficient to allow any conclusion about variant significance. To our knowledge, no occurrence of c.8549C>T in individuals affected with PKD1-related conditions and no experimental evidence demonstrating its impact on protein function have been reported. ClinVar contains an entry for this variant (Variation ID: 3579168). Based on the evidence outlined above, the variant was classified as uncertain significance.

Fulgent Genetics
Classification: Uncertain significance for Polycystic kidney disease, adult type. Last evaluated: 2024-06-20. Review status: criteria provided, single submitter. Criteria: ACMG Guidelines, 2015. Collection method: clinical testing. Allele origin: germline.

Blueprint Genetics
Classification: Uncertain significance. Last evaluated: 2021-11-24. Review status: criteria provided, single submitter. Criteria: ACMG Guidelines, 2015. Collection method: clinical testing. Allele origin: germline.

Department of Pathology and Laboratory Medicine, Sinai Health System
Classification: Uncertain significance for Polycystic kidney disease, adult type. Last evaluated: 2021-11-24. Review status: criteria provided, single submitter. Criteria: ACMG Guidelines, 2015. Collection method: clinical testing. Allele origin: germline. Affected: yes.